The following is an entry in ClinVar:

ClinVar aggregate classification (germline): Uncertain significance (1 of 4 stars; one submission).

Conditions:
Primary ciliary dyskinesia. Also called: Ciliary dyskinesia. Identifiers: Orphanet 244, MedGen C0008780, MONDO:0016575, HP:0012265.

Allele frequency attached by ClinVar (database versions not stated): gnomAD exomes below 0.00001.

Submission:

Labcorp Genetics (formerly Invitae), Labcorp
Classification: Uncertain significance for Primary ciliary dyskinesia. Last evaluated: 2022-08-06. Review status: criteria provided, single submitter. Criteria: Invitae Variant Classification Sherloc (09022015). Collection method: clinical testing. Allele origin: germline.
Comment: This sequence change replaces phenylalanine, which is neutral and non-polar, with serine, which is neutral and polar, at codon 334 of the RPGR protein (p.Phe334Ser). This variant is not present in population databases (gnomAD no frequency). In summary, the available evidence is currently insufficient to determine the role of this variant in disease. Therefore, it has been classified as a Variant of Uncertain Significance. Algorithms developed to predict the effect of missense changes on protein structure and function (SIFT, PolyPhen-2, Align-GVGD) all suggest that this variant is likely to be tolerated. This variant has not been reported in the literature in individuals affected with RPGR-related conditions.

NM_001034853.2(RPGR):c.1001T>C (p.Phe334Ser)

Gene: RPGR (retinitis pigmentosa GTPase regulator; minus strand). Cytogenetic location: Xp11.4.
Variant type: single nucleotide variant.
Coding change: c.1001T>C on transcript NM_001034853.2 (MANE Select); coding-DNA position 1001, T replaced by C.
Protein change: p.Phe334Ser; replaces phenylalanine 334 with serine.
Molecular consequence: missense variant. On other transcripts: non-coding transcript variant (6).
Genome position (GRCh38, 1-based): chrX:38,301,305, A>G on the plus strand (T>C on the coding strand, the complement: RPGR is on the minus strand). VCF-style: chrX-38301305-A-G. GRCh37 (hg19) VCF-style: chrX-38160558-A-G.
Other names: c.1001T>C, p.Phe334Ser (NM_000328.3, NM_001367246.1, NM_001367247.1 and 1 more transcripts); c.998T>C, p.Phe333Ser (NM_001367245.1, NM_001367249.1, NM_001367250.1); c.1031T>C, p.Phe344Ser (NM_001367248.1); short protein forms F333S, F334S, F344S.
Identifiers: ClinVar variation 1998390 (VCV001998390.4), dbSNP rs759136845, ClinGen allele CA412740239.